The following is an entry in ClinVar:

ClinVar aggregate classification (germline): Conflicting classifications of pathogenicity. Review status: criteria provided, conflicting classifications (1 of 4 stars). 5 submissions from 5 submitters: Uncertain significance (4); Likely benign (1). Last evaluated 2026-02-01.

Conditions:
Intellectual disability. Also called: Intellectual functioning disability; Intellectual developmental disorder; intellectual disabilities. Identifiers: MedGen C3714756, MeSH D008607, MONDO:0001071, HP:0001249.
Familial hemophagocytic lymphohistiocytosis 3 (FHL3). Also called: UNC13D-Related Familial Hemophagocytic Lymphohistiocytosis (UNC13D-fHLH). Identifiers: Orphanet 540, MedGen C1837174, MONDO:0012146, OMIM 608898.

Allele frequency attached by ClinVar (database versions not stated): 1000 Genomes Project 30x 0.00016; 1000 Genomes Project 0.00020; gnomAD exomes 0.00047; gnomAD 0.00058; TOPMed 0.00059; ESP Exome Variant Server 0.00069; ExAC 0.00074.
gnomAD v4.1: 1,636 of 1,580,788 alleles (0.1%); highest among the groups gnomAD compares: Non-Finnish European, 0.13%; no homozygotes.

Submissions (5):

Labcorp Genetics (formerly Invitae), Labcorp
Classification: Uncertain significance for Familial hemophagocytic lymphohistiocytosis 3. Last evaluated: 2026-02-01. Review status: criteria provided, single submitter. Criteria: Invitae Variant Classification Sherloc (09022015). Collection method: clinical testing. Allele origin: germline.
Comment: This sequence change replaces alanine, which is neutral and non-polar, with threonine, which is neutral and polar, at codon 965 of the UNC13D protein (p.Ala965Thr). This variant is present in population databases (rs144744401, gnomAD 0.1%), and has an allele count higher than expected for a pathogenic variant. This variant has not been reported in the literature in individuals affected with UNC13D-related conditions. ClinVar contains an entry for this variant (Variation ID: 582747). Invitae Evidence Modeling of protein sequence and biophysical properties (such as structural, functional, and spatial information, amino acid conservation, physicochemical variation, residue mobility, and thermodynamic stability) indicates that this missense variant is not expected to disrupt UNC13D protein function with a negative predictive value of 80%. In summary, the available evidence is currently insufficient to determine the role of this variant in disease. Therefore, it has been classified as a Variant of Uncertain Significance.

Blueprint Genetics
Classification: Uncertain significance. Last evaluated: 2024-11-13. Review status: criteria provided, single submitter. Criteria: ACMG Guidelines, 2015. Collection method: clinical testing. Allele origin: germline.

Revvity Omics, Revvity
Classification: Uncertain significance for Familial hemophagocytic lymphohistiocytosis 3. Last evaluated: 2021-08-31. Review status: criteria provided, single submitter. Criteria: ACMG Guidelines, 2015. Collection method: clinical testing. Allele origin: germline.

Cambridge Genomics Laboratory, East Genomic Laboratory Hub, NHS Genomic Medicine Service
Classification: Likely benign for Intellectual disability. Last evaluated: 2020-07-13. Review status: criteria provided, single submitter. Criteria: ACGS Best Practice Guidelines for Variant Classification in Rare Disease 2020. Collection method: clinical testing. Allele origin: germline. Affected: yes. Observed: 1 variant allele.

Illumina Laboratory Services, Illumina
Classification: Uncertain significance for Familial hemophagocytic lymphohistiocytosis 3. Last evaluated: 2017-04-27. Review status: criteria provided, single submitter. Criteria: ICSL Variant Classification Criteria 13 December 2019. Collection method: clinical testing. Allele origin: germline.

NM_199242.3(UNC13D):c.2893G>A (p.Ala965Thr)

Genes: UNC13D (unc-13 homolog D; minus strand), LOC112533672 (Sharpr-MPRA regulatory region 1193; plus strand). Cytogenetic location: 17q25.1.
Variant type: single nucleotide variant.
Coding change: c.2893G>A on transcript NM_199242.3 (MANE Select); coding-DNA position 2893, G replaced by A.
Protein change: p.Ala965Thr; replaces alanine 965 with threonine.
Molecular consequence: missense variant.
Genome position (GRCh38, 1-based): chr17:75,830,089, C>T on the plus strand (G>A on the coding strand, the complement: UNC13D is on the minus strand). VCF-style: chr17-75830089-C-T. GRCh37 (hg19) VCF-style: chr17-73826170-C-T.
Other names: short protein forms A965T.
Identifiers: ClinVar variation 582747 (VCV000582747.15), dbSNP rs144744401, ClinGen allele CA8772350.